The following is an entry in ClinVar:

ClinVar aggregate classification (germline): Uncertain significance (1 of 4 stars; one submission).

Submission:

Labcorp Genetics (formerly Invitae), Labcorp
Classification: Uncertain significance. Last evaluated: 2024-05-20. Review status: criteria provided, single submitter. Criteria: Invitae Variant Classification Sherloc (09022015). Collection method: clinical testing. Allele origin: germline.
Comment: This variant, c.5910_5912del, results in the deletion of 1 amino acid(s) of the DSCAML1 protein (p.Phe1971del), but otherwise preserves the integrity of the reading frame. This variant is not present in population databases (gnomAD no frequency). This variant has not been reported in the literature in individuals affected with DSCAML1-related conditions. Experimental studies and prediction algorithms are not available or were not evaluated, and the functional significance of this variant is currently unknown. In summary, the available evidence is currently insufficient to determine the role of this variant in disease. Therefore, it has been classified as a Variant of Uncertain Significance.

NM_020693.4(DSCAML1):c.5727CTT[1] (p.Phe1911del)

Gene: DSCAML1 (DS cell adhesion molecule like 1; minus strand). Cytogenetic location: 11q23.3.
Variant type: Microsatellite.
Coding change: c.5727CTT[1] on transcript NM_020693.4 (MANE Select); one copy of the 3-base unit CTT starting at c.5727; the reference has two copies in a row; one copy, 3 bases deleted.
Protein change: p.Phe1911del; deletes phenylalanine 1911.
Molecular consequence: inframe deletion.
Genome position (GRCh38, 1-based): chr11:117,428,758-117,428,760, AAG deleted on the plus strand (CTT on the coding strand, the reverse complement: DSCAML1 is on the minus strand); deleting any 3 consecutive bases within chr11:117,428,758-117,428,763 gives the same sequence; the position shown is the placement nearest the transcript's 3' end. VCF-style (leftmost placement, unchanged base first): chr11-117428757-AAAG-A. GRCh37 (hg19) VCF-style: chr11-117299473-AAAG-A.
Other names: short protein forms F1911del.
Identifiers: ClinVar variation 2011642 (VCV002011642.4), dbSNP rs2047720578, ClinGen allele CA942651376.